The following is an entry in ClinVar:

NM_002691.4(POLD1):c.3120+1G>A

Gene: POLD1 (DNA polymerase delta 1, catalytic subunit; plus strand). Cytogenetic location: 19q13.33.
Variant type: single nucleotide variant.
Coding change: c.3120+1G>A on transcript NM_002691.4 (MANE Select); the canonical splice donor site of the intron after coding-DNA position 3120, G replaced by A.
Molecular consequence: splice donor variant.
Genome position (GRCh38, 1-based): chr19:50,417,098, G>A. VCF-style: chr19-50417098-G-A. GRCh37 (hg19) VCF-style: chr19-50920355-G-A.
Other names: c.3120+1G>A (NM_001256849.1); c.3198+1G>A (NM_001308632.1).
Identifiers: ClinVar variation 944358 (VCV000944358.10), dbSNP rs1480477616, ClinGen allele CA406987206.
Genomic context (GRCh38, chr19:50,417,098, plus strand): 5'-CCCACAGGAGCCGTGTGTGAGTTCTGCCAGCCCCGGGAGTCTGAGCTGTATCAGAAGGAG[G>A]TGAGAGGGCCGGGAGGTGAGGAGGGGCCAGGTGGGGAGGCGGGGGCGCCCTGCTCAGCCG-3'

ClinVar aggregate classification (germline): Uncertain significance (1 of 4 stars; one submission).

Conditions:
POLD1-related polyposis and colorectal cancer syndrome (CRCS10). Also called: Colorectal cancer 10; COLORECTAL CANCER, SUSCEPTIBILITY TO, ON CHROMOSOME 19q; Colorectal cancer, susceptibility to, 10. Identifiers: Orphanet 220460, MedGen C2675481, MONDO:0012953, OMIM 612591.

Submission:

Labcorp Genetics (formerly Invitae), Labcorp
Classification: Uncertain significance for POLD1-related polyposis and colorectal cancer syndrome. Last evaluated: 2025-07-30. Review status: criteria provided, single submitter. Criteria: Invitae Variant Classification Sherloc (09022015). Collection method: clinical testing. Allele origin: germline.
Comment: This sequence change affects a donor splice site in intron 25 of the POLD1 gene. Missense variants that disrupt the 3'-5' exonuclease (proof-reading) activity of the POLD1 protein are associated with PPAP (polymerase proofreading–associated polyposis) (PMID: 23263490, 23447401). However, loss-of-function variants that result in an absent or severely disrupted POLD1 protein, and missense variants outside the exonuclease domain, are unlikely to be associated with PPAP. This variant is not present in population databases (gnomAD no frequency). This variant has not been reported in the literature in individuals affected with POLD1-related conditions. ClinVar contains an entry for this variant (Variation ID: 944358). Algorithms developed to predict the effect of sequence changes on RNA splicing suggest that this variant may disrupt the consensus splice site. In summary, the available evidence is currently insufficient to determine the role of this variant in disease. Therefore, it has been classified as a Variant of Uncertain Significance.

Literature cited by the submitters: PubMed 23263490; PubMed 23447401.